The following is an entry in ClinVar:

NM_000051.4(ATM):c.3437A>G (p.Glu1146Gly)

Gene: ATM (ATM serine/threonine kinase; plus strand). Cytogenetic location: 11q22.3.
Variant type: single nucleotide variant.
Coding change: c.3437A>G on transcript NM_000051.4 (MANE Select); coding-DNA position 3437, A replaced by G.
Protein change: p.Glu1146Gly; replaces glutamic acid 1146 with glycine.
Molecular consequence: missense variant.
Genome position (GRCh38, 1-based): chr11:108,281,029, A>G. VCF-style: chr11-108281029-A-G. GRCh37 (hg19) VCF-style: chr11-108151756-A-G.
Other names: c.3437A>G, p.Glu1146Gly (NM_001351834.2); short protein forms E1146G.
Identifiers: ClinVar variation 485189 (VCV000485189.16), dbSNP rs1555091169, ClinGen allele CA382519179.

ClinVar aggregate classification (germline): Uncertain significance. Review status: criteria provided, multiple submitters, no conflicts (2 of 4 stars). 2 submissions from 2 submitters: Uncertain significance (2). Last evaluated 2023-11-10.

Conditions:
Hereditary cancer-predisposing syndrome. Also called: Hereditary neoplastic syndrome; Neoplastic Syndromes, Hereditary; Tumor predisposition; Hereditary Cancer Syndrome. Identifiers: Orphanet 140162, MedGen C0027672, MeSH D009386, MONDO:0015356.
Ataxia-telangiectasia syndrome (AT). Also called: LOUIS-BAR SYNDROME; Cerebello-oculocutaneous telangiectasia; Immunodeficiency with ataxia telangiectasia; AT, COMPLEMENTATION GROUP C; Ataxia-telangiectasia, complementation group D; ATAXIA-TELANGIECTASIA, COMPLEMENTATION GROUP A. Identifiers: Orphanet 100, MedGen C0004135, MONDO:0008840, OMIM 208900.

Allele frequency attached by ClinVar (database versions not stated): gnomAD exomes 0.00001.
gnomAD v4.1: 3 of 1,613,516 alleles (0.00019%); highest among the groups gnomAD compares: South Asian, 0.0011%; no homozygotes.

Submissions (2):

Ambry Genetics
Classification: Uncertain significance for Hereditary cancer-predisposing syndrome. Last evaluated: 2023-11-10. Review status: criteria provided, single submitter. Criteria: Ambry Variant Classification Scheme 2023. Collection method: clinical testing. Allele origin: germline.
Comment: The p.E1146G variant (also known as c.3437A>G), located in coding exon 23 of the ATM gene, results from an A to G substitution at nucleotide position 3437. The glutamic acid at codon 1146 is replaced by glycine, an amino acid with similar properties. This amino acid position is well conserved in available vertebrate species. In addition, the in silico prediction for this alteration is inconclusive. Since supporting evidence is limited at this time, the clinical significance of this alteration remains unclear.

Labcorp Genetics (formerly Invitae), Labcorp
Classification: Uncertain significance for Ataxia-telangiectasia syndrome. Last evaluated: 2023-06-14. Review status: criteria provided, single submitter. Criteria: Invitae Variant Classification Sherloc (09022015). Collection method: clinical testing. Allele origin: germline.
Comment: This variant has not been reported in the literature in individuals affected with ATM-related conditions. This variant is not present in population databases (gnomAD no frequency). This sequence change replaces glutamic acid, which is acidic and polar, with glycine, which is neutral and non-polar, at codon 1146 of the ATM protein (p.Glu1146Gly). ClinVar contains an entry for this variant (Variation ID: 485189). In summary, the available evidence is currently insufficient to determine the role of this variant in disease. Therefore, it has been classified as a Variant of Uncertain Significance. An algorithm developed to predict the effect of missense changes on protein structure and function (PolyPhen-2) suggests that this variant is likely to be tolerated.